The following is an entry in ClinVar:

ClinVar aggregate classification (germline): Pathogenic (1 of 4 stars; one submission).

Submission:

GeneDx
Classification: Pathogenic. Last evaluated: 2024-12-26. Review status: criteria provided, single submitter. Criteria: GeneDx Variant Classification Process June 2021. Collection method: clinical testing. Allele origin: germline. Affected: yes.
Comment: Published functional studies demonstrate that the variant disrupts NMDA receptor function, resulting in unbalanced receptor activity (PMID: 29365063); Not observed at significant frequency in large population cohorts (gnomAD); In silico analysis supports that this missense variant has a deleterious effect on protein structure/function; This variant is associated with the following publications: (PMID: 27164704, 29365063, 30174244)

NM_007327.4(GRIN1):c.1940A>G (p.Tyr647Cys)

Gene: GRIN1 (glutamate ionotropic receptor NMDA type subunit 1; plus strand). Cytogenetic location: 9q34.3.
Variant type: single nucleotide variant.
Coding change: c.1940A>G on transcript NM_007327.4 (MANE Select); coding-DNA position 1940, A replaced by G.
Protein change: p.Tyr647Cys; replaces tyrosine 647 with cysteine.
Molecular consequence: missense variant.
Genome position (GRCh38, 1-based): chr9:137,162,666, A>G. VCF-style: chr9-137162666-A-G. GRCh37 (hg19) VCF-style: chr9-140057118-A-G.
Other names: c.1940A>G, p.Tyr647Cys (NM_000832.7, NM_021569.4); c.2003A>G, p.Tyr668Cys (NM_001185090.2, NM_001185091.2); short protein forms Y647C, Y668C.
Identifiers: ClinVar variation 3907748 (VCV003907748.1).